The following is an entry in ClinVar:

ClinVar aggregate classification (germline): Uncertain significance (1 of 4 stars; one submission).

Conditions:
Cystic fibrosis (CF). Also called: MUCOVISCIDOSIS. Identifiers: Orphanet 586, MedGen C0010674, MONDO:0009061, OMIM 219700. Disease mechanism: loss of function.

Submission:

Ambry Genetics
Classification: Uncertain significance for Cystic fibrosis. Last evaluated: 2021-08-11. Review status: criteria provided, single submitter. Criteria: Ambry Variant Classification Scheme 2023. Collection method: clinical testing. Allele origin: germline.
Comment: The p.V393M variant (also known as c.1177G>A), located in coding exon 9 of the CFTR gene, results from a G to A substitution at nucleotide position 1177. The valine at codon 393 is replaced by methionine, an amino acid with highly similar properties. This amino acid position is conserved. In addition, the in silico prediction for this alteration is inconclusive. Since supporting evidence is limited at this time, the clinical significance of this alteration remains unclear.

NM_000492.4(CFTR):c.1177G>A (p.Val393Met)

Gene: CFTR (CF transmembrane conductance regulator; plus strand). Cytogenetic location: 7q31.2.
Variant type: single nucleotide variant.
Coding change: c.1177G>A on transcript NM_000492.4 (MANE Select); coding-DNA position 1177, G replaced by A.
Protein change: p.Val393Met; replaces valine 393 with methionine.
Molecular consequence: missense variant.
Genome position (GRCh38, 1-based): chr7:117,542,076, G>A. VCF-style: chr7-117542076-G-A. GRCh37 (hg19) VCF-style: chr7-117182130-G-A.
Other names: short protein forms V393M.
Identifiers: ClinVar variation 1741085 (VCV001741085.2), dbSNP rs1562892874, ClinGen allele CA368980143.